The following is an entry in ClinVar:

ClinVar aggregate classification (germline): Pathogenic. Review status: criteria provided, single submitter (1 of 4 stars). 2 submissions from 2 submitters: Pathogenic (1). 1 of the submissions does not count toward it. Last evaluated 2023-08-11.

Conditions:
Thrombophilia due to protein S deficiency, autosomal dominant (THPH5). Identifiers: Orphanet 26349, Orphanet 743, MedGen C3278211, MONDO:0012868, OMIM 612336. Disease mechanism: loss of function.
Thrombophilia due to protein S deficiency, autosomal recessive (THPH6). Identifiers: Orphanet 743, MedGen C3281092, MONDO:0013791, OMIM 614514. Disease mechanism: loss of function.

Allele frequency attached by ClinVar (database versions not stated): gnomAD exomes below 0.00001.
gnomAD v4.1: 1 of 1,612,570 alleles (0.000062%); highest among the groups gnomAD compares: Non-Finnish European, 0.000085%; no homozygotes.

Submissions (2):

Labcorp Genetics (formerly Invitae), Labcorp
Classification: Pathogenic for Thrombophilia due to protein S deficiency, autosomal recessive. Last evaluated: 2023-08-11. Review status: criteria provided, single submitter. Criteria: Invitae Variant Classification Sherloc (09022015). Collection method: clinical testing. Allele origin: germline.
Comment: This sequence change creates a premature translational stop signal (p.Gln279*) in the PROS1 gene. It is expected to result in an absent or disrupted protein product. Loss-of-function variants in PROS1 are known to be pathogenic (PMID: 9241758). This variant is not present in population databases (gnomAD no frequency). This premature translational stop signal has been observed in individual(s) with protein S deficiency (PMID: 10447256). This variant is also known as Q238X. ClinVar contains an entry for this variant (Variation ID: 13322). For these reasons, this variant has been classified as Pathogenic.

OMIM
Classification: Pathogenic for THROMBOPHILIA DUE TO PROTEIN S DEFICIENCY, AUTOSOMAL DOMINANT. Last evaluated: 1999-01-01. Review status: no assertion criteria provided. Collection method: literature only. Allele origin: germline. Not counted in ClinVar's aggregate classification.

Literature cited by the submitters: PubMed 9241758 (cited by Labcorp Genetics (formerly Invitae), Labcorp); PubMed 10447256 (cited by Labcorp Genetics (formerly Invitae), Labcorp and OMIM).

NM_000313.4(PROS1):c.835C>T (p.Gln279Ter)

Gene: PROS1 (protein S; minus strand). Cytogenetic location: 3q11.1.
Variant type: single nucleotide variant.
Coding change: c.835C>T on transcript NM_000313.4 (MANE Select); coding-DNA position 835, C replaced by T.
Protein change: p.Gln279Ter; replaces glutamine 279 with a stop codon.
Molecular consequence: nonsense.
Genome position (GRCh38, 1-based): chr3:93,898,462, G>A on the plus strand (C>T on the coding strand, the complement: PROS1 is on the minus strand). VCF-style: chr3-93898462-G-A. GRCh37 (hg19) VCF-style: chr3-93617306-G-A.
Other names: Q238*; c.931C>T, p.Gln311Ter (NM_001314077.2); short protein forms Q279*, Q311*.
Identifiers: ClinVar variation 13322 (VCV000013322.4), dbSNP rs121918475, ClinGen allele CA123035.
Genomic context (GRCh38, chr3:93,898,462, plus strand): 5'-TCATTTTAGAAAACAGGTGAGAAGTTAAGCATTGTAAAATGTTTACCTCACAACTCTTCT[G>A]ATCTTGGGCAAGTTTGAATCCTTTCTTCCCATCACAATAGCAAGTGTAACCTCCAGGGTA-3'